The following is an entry in ClinVar:

ClinVar aggregate classification (germline): Pathogenic/Likely pathogenic. Review status: criteria provided, multiple submitters, no conflicts (2 of 4 stars). 29 submissions from 29 submitters: Pathogenic (23); Likely pathogenic (1). 5 of the submissions do not count toward it. Last evaluated 2026-02-11.

Conditions:
BLM-related disorder. Also called: BLM-related condition.
Hereditary cancer-predisposing syndrome. Also called: Neoplastic Syndromes, Hereditary; Tumor predisposition; Hereditary Cancer Syndrome; Hereditary neoplastic syndrome. Identifiers: Orphanet 140162, MedGen C0027672, MeSH D009386, MONDO:0015356.
Bloom syndrome (BLM). Also called: Bloom-Torre-Machacek syndrome. Identifiers: Orphanet 125, MedGen C0005859, MONDO:0008876, OMIM 210900.

Submissions 1 to 8 of 29:

St. Jude Molecular Pathology, St. Jude Children's Research Hospital
Classification: Pathogenic for Bloom syndrome. Last evaluated: 2026-02-11. Review status: criteria provided, single submitter. Criteria: St. Jude Assertion Criteria 2020. Collection method: clinical testing. Allele origin: germline.
Comment: The BLM c.2207_2212delinsTAGATTC (p.Tyr736LeufsTer5) change results from the deletion of 6 nucleotides and insertion of 7 nucleotides to cause a frameshift and the creation of a premature stop codon. This change is predicted to cause protein truncation or absence of the protein due to nonsense-mediated decay. This variant has a maximum subpopulation frequency of 0.38% in gnomAD v2.1.1, where it is primarily found in the Ashkenazi Jewish population. This variant has been reported in the homozygous and compound heterozygous state in many individuals with Bloom syndrome (PMID: 7585968, 9837821, 17407155). It is a well-established pathogenic founder variant in Bloom syndrome which is estimated to be found in 1 of 107 individuals in the Ashkenazi Jewish population (PMID: 9758720). Studies of heterozygous carriers of this variant and colorectal cancer risk have been inconclusive. Gruber et al. found that Ashkenazi Jewish individuals with colorectal cancer harbor this alteration twice as frequently as compared to controls (PMID: 12242432), however Clearly et al. were unable to replicate these findings (PMID: 12702560) and Baris et al. did not find an increased risk for colorectal cancer in heterozygous carriers of this variant (PMID: 18210922). As of May 2021, the National Comprehensive Cancer Network (NCCN) suggests that heterozygous carriers of pathogenic variants in BLM may have an increased risk of colorectal cancer, however the exact risk is not well-established. This alteration is also known as 'blmAsh' in the literature. In summary, this variant meets criteria to be classified as pathogenic.

PreventionGenetics, part of Exact Sciences
Classification: Pathogenic for BLM-related condition. Last evaluated: 2026-01-27. Review status: criteria provided, single submitter. Criteria: ACMG Guidelines, 2015. Collection method: clinical testing. Allele origin: germline.
Comment: The BLM c.2207_2212delinsTAGATTC variant is predicted to result in a frameshift and premature protein termination (p.Tyr736Leufs*5). This variant is well described in the literature as a founder mutation in the Ashkenazi Jewish (AJ) population, commonly known as 'blmAsh' (Ellis et al. 1998. PubMed ID: 9837821). This variant has been reported in numerous individuals of AJ descent in the homozygous and compound heterozygous states (Ellis et al. 1995. PubMed ID: 7585968; Ellis et al. 1998. PubMed ID: 9837821; German et al. 2007. PubMed ID: 17407155). This variant has also been reported in the homozygous and compound heterozygous states in individuals of Spanish American ancestry (German et al. 2007. PubMed ID: 17407155). Functional studies utilizing cells derived from a skin biopsy obtained from an individual homozygous for the c.2207_2212delinsTAGATTC (p.Tyr736LeufsTer5) variant showed the variant did not create BLM protein (Ellis et al. 1999. PubMed ID: 10521302). This variant is reported in ~0.38% of alleles in individuals of Ashkenazi Jewish descent in gnomAD via alternate nomenclature listed as three different events due to the complexity of the event (15-91310152-TATC-T, 15-91310158-A-ATTC, and 15-91310156-T-TA). This variant is reported as pathogenic and likely pathogenic in the ClinVar database (Variation ID: 5454). Frameshift variants in BLM are expected to be pathogenic. Taken together, this variant is interpreted as pathogenic.

Labcorp Genetics (formerly Invitae), Labcorp
Classification: Pathogenic for Bloom syndrome. Last evaluated: 2026-01-20. Review status: criteria provided, single submitter. Criteria: Invitae Variant Classification Sherloc (09022015). Collection method: clinical testing. Allele origin: germline.
Comment: This sequence change creates a premature translational stop signal (p.Tyr736Leufs*5) in the BLM gene. It is expected to result in an absent or disrupted protein product. Loss-of-function variants in BLM are known to be pathogenic (PMID: 17407155). Information on the frequency of this variant in the gnomAD database is not available, as this variant may be reported differently in the database. This particular variant is a well documented pathogenic founder variant in Bloom syndrome in individuals of Ashkenazi Jewish ancestry (PMID: 7585968, 9758720). It is present at a carrier rate of 1/107 unaffected individuals of Ashkenazi Jewish ancestry (PMID: 9758720, 9837821). This variant is also known as blm-Ash; 6-bp deletion and 7-bp insertion at nt 2281. ClinVar contains an entry for this variant (Variation ID: 5454). For these reasons, this variant has been classified as Pathogenic.

Dasa
Classification: Pathogenic for Bloom syndrome. Last evaluated: 2025-12-09. Review status: criteria provided, single submitter. Criteria: DASA Assertion Criteria. Collection method: clinical testing. Allele origin: germline.
Comment: NM_000057.4(BLM):c.2207_2212delinsTAGATTC (p.Tyr736LeufsTer5) is a frameshift variant in BLM predicted to alter the reading frame and introduce a premature termination codon and is predicted to result in an absent or altered protein product. Loss of function is an established disease mechanism for BLM-associated disorders. This variant has been recurrently observed in individuals with BLM-related disorders (PMID: 37052241; PMID: 33219493; PMID: 9837821). Also, this variant is rare in population databases. Based on the currently available evidence, this variant is classified as pathogenic.

CeGaT Center for Human Genetics Tuebingen
Classification: Pathogenic. Last evaluated: 2025-11-01. Review status: criteria provided, single submitter. Criteria: CeGaT Center For Human Genetics Tuebingen Variant Classification Criteria Version 2. Collection method: clinical testing. Allele origin: germline. Affected: yes. Observed: 3 variant alleles.
Comment: BLM: PVS1, PM2, PM3, PS4:Moderate

Natera, Inc.
Classification: Pathogenic for Bloom syndrome. Last evaluated: 2025-10-29. Review status: criteria provided, single submitter. Criteria: Natera Variant Classification Schema (03/2026). Collection method: clinical testing. Allele origin: germline.
Comment: The c.2207_2212delATCTGAinsTAGATTC variant in BLM is a frameshift variant predicted to shift the reading frame beginning at codon 736 and leads to a stop codon 5 codons downstream. This variant is expected to result in nonsense mediated decay, truncation, or a dysfunctional protein product. This variant is rare in the general population with a frequency below the threshold expected for the associated phenotype(s). This variant has been observed in one or more individuals affected with the associated recessive disease, as either homozygous or compound heterozygous with a second variant (PMID: 7585968). Given the available evidence, this variant is classified as Pathogenic.

Laboratorio de Genetica e Diagnostico Molecular, Hospital Israelita Albert Einstein
Classification: Pathogenic for Bloom syndrome. Last evaluated: 2025-10-12. Review status: criteria provided, single submitter. Criteria: ACMG Guidelines, 2015. Collection method: clinical testing. Allele origin: germline. Affected: yes.
Comment: ACMG classification criteria: PVS1 very strong, PS3 supporting, PS4 strong, PM2 supporting, PM3 very strong

Ambry Genetics
Classification: Pathogenic for Hereditary cancer-predisposing syndrome. Last evaluated: 2025-05-23. Review status: criteria provided, single submitter. Criteria: Ambry Variant Classification Scheme 2023. Collection method: clinical testing. Allele origin: germline.
Comment: The c.2207_2212delATCTGAinsTAGATTC pathogenic mutation, located in coding exon 9 of the BLM gene, results from the deletion of 6 nucleotides and insertion of 7 nucleotides at positions 2207 to 2212, causing a translational frameshift with a predicted alternate stop codon (p.Y736Lfs*5). This is a well-established founder mutation in the Ashkenazi Jewish population, reported in individuals with Bloom syndrome in the homozygous or compound heterozygous state, and is referred to as BLMAsh in the literature (Ellis NA et al. Cell. 1995 Nov;83:655-66; Ellis NA et al. Am. J. Hum. Genet. 1998 Dec;63:1685-93; Oddoux C et al. Am. J. Hum. Genet. 1999 Apr;64:1241-3; Bouman A et al. Eur J Med Genet. 2018 Feb;61:94-97). One study found that this alteration was twice as prevalent in Ashkenazi Jewish individuals with colorectal cancer compared to controls (OR=2.45; 95% CI: 1.3-4.8; p=0.0065); however, another study found no significant difference in the carrier frequency of this mutation in individuals with colorectal cancer compared to individuals with other cancers and unaffected controls in an Ashkenazi Jewish population, and when they combined their data with the previous study, they estimated a more modest association with colorectal cancer (OR=1.79; 95% CI 1.17-2.74; p=0.009) (Gruber SB et al. Science. 2002 Sep;297:2013; Cleary SP et al. Cancer Res. 2003 Apr;63:1769-71). This variant is considered to be rare based on population cohorts in the Genome Aggregation Database (gnomAD). In addition to the clinical data presented in the literature, this alteration is expected to result in loss of function by premature protein truncation or nonsense-mediated mRNA decay. As such, this alteration is interpreted as a disease-causing mutation.

NM_000057.4(BLM):c.2207_2212delinsTAGATTC (p.Tyr736fs)

Gene: BLM (BLM RecQ like helicase; plus strand). Cytogenetic location: 15q26.1.
Variant type: Indel.
Coding change: c.2207_2212delinsTAGATTC on transcript NM_000057.4 (MANE Select); coding-DNA positions 2207 to 2212, ATCTGA replaced by TAGATTC.
Protein change: p.Tyr736fs; shifts the reading frame from tyrosine 736.
Molecular consequence: frameshift variant.
Genome position (GRCh38, 1-based): chr15:90,766,923-90,766,928, ATCTGA replaced by TAGATTC. VCF-style: chr15-90766923-ATCTGA-TAGATTC. GRCh37 (hg19) VCF-style: chr15-91310153-ATCTGA-TAGATTC.
Other names: 2281del6ins7; Y735fs; BLM, 6-BP DEL/7-BP INS; blmAsh allele; p.Tyr736Leufs*5; c.2207_2212delinsTAGATTC, p.Tyr736fs (NM_001287246.2, NM_001287247.2); c.1082_1087delinsTAGATTC, p.Tyr361fs (NM_001287248.2); c.2207_2212del6ins7 (NM_000057.2); short protein forms Y736fs, Y361fs.
Identifiers: ClinVar variation 5454 (VCV000005454.68), dbSNP rs113993962, ClinGen allele CA284839.
Genomic context (GRCh38, chr15:90,766,923, plus strand): 5'-TCAGGTTAATGTATAAAATTGAAATTGTTTACTACTTTTATACTTAGATTCCAGCTACAT[ATCTGA>TAGATTC]CAGGTGATAAGACTGACTCAGAAGCTACAAATATTTACCTCCAGTTATCAAAAAAAGACC-3'